The following is an entry in ClinVar:

NM_000209.4(PDX1):c.204C>A (p.Tyr68Ter)

Gene: PDX1 (pancreatic and duodenal homeobox 1; plus strand). Cytogenetic location: 13q12.2.
Variant type: single nucleotide variant.
Coding change: c.204C>A on transcript NM_000209.4 (MANE Select); coding-DNA position 204, C replaced by A.
Protein change: p.Tyr68Ter; replaces tyrosine 68 with a stop codon.
Molecular consequence: nonsense.
Genome position (GRCh38, 1-based): chr13:27,920,342, C>A. VCF-style: chr13-27920342-C-A. GRCh37 (hg19) VCF-style: chr13-28494479-C-A.
Other names: short protein forms Y68*.
Identifiers: ClinVar variation 4713812 (VCV004713812.1).

ClinVar aggregate classification (germline): Uncertain significance (1 of 4 stars; one submission).

Submission:

Labcorp Genetics (formerly Invitae), Labcorp
Classification: Uncertain significance. Last evaluated: 2025-02-25. Review status: criteria provided, single submitter. Criteria: Invitae Variant Classification Sherloc (09022015). Collection method: clinical testing. Allele origin: germline.
Comment: This sequence change creates a premature translational stop signal (p.Tyr68*) in the PDX1 gene. It is expected to result in an absent or disrupted protein product. However, the current clinical and genetic evidence is not sufficient to establish whether loss-of-function variants in PDX1 cause disease. This variant is not present in population databases (gnomAD no frequency). This variant has not been reported in the literature in individuals affected with PDX1-related conditions. In summary, the available evidence is currently insufficient to determine the role of this variant in disease. Therefore, it has been classified as a Variant of Uncertain Significance.